The following is an entry in ClinVar:

ClinVar aggregate classification (germline): Pathogenic (1 of 4 stars; one submission).

Conditions:
Clark-Baraitser syndrome. Also called: MENTAL RETARDATION, AUTOSOMAL DOMINANT 49; BARAITSER SYNDROME; Mental retardation, tall stature, obesity, macrocephaly and typical facial features; Intellectual disability, autosomal dominant 49. Identifiers: Orphanet 600731, MedGen C2931130, MONDO:0030914, OMIM 617752.

Submission:

Laboratory of Medical Genetics, National & Kapodistrian University of Athens
Classification: Pathogenic for Clark-Baraitser syndrome. Last evaluated: 2024-07-12. Review status: criteria provided, single submitter. Criteria: ACMG Guidelines, 2015. Collection method: clinical testing. Allele origin: de novo. Affected: yes.
Comment: PVS1, PS2, PM2 -The variant is expected to result in an absent or disrupted protein product. Not observed in large population cohorts (gnomAD). The variant was detected de novo (paternity confirmed).

NM_001348323.3(TRIP12):c.3551del (p.Asn1184fs)

Gene: TRIP12 (thyroid hormone receptor interactor 12; minus strand). Cytogenetic location: 2q36.3.
Variant type: Deletion.
Coding change: c.3551del on transcript NM_001348323.3 (MANE Select); coding-DNA position 3551, one base deleted (A; older notation c.3551delA).
Protein change: p.Asn1184fs; shifts the reading frame from asparagine 1184.
Molecular consequence: frameshift variant.
Genome position (GRCh38, 1-based): chr2:229,797,763, T deleted on the plus strand (A on the coding strand, the reverse complement: TRIP12 is on the minus strand); the first of 2 consecutive T bases (chr2:229,797,763-229,797,764); deleting either gives the same sequence. VCF-style (leftmost placement, unchanged base first): chr2-229797762-AT-A. GRCh37 (hg19) VCF-style: chr2-230662478-AT-A.
Other names: c.3470del, p.Asn1157fs (NM_001284214.2, NM_001348315.2); c.3425del, p.Asn1142fs (NM_001284215.2, NM_001348316.2, NM_001348317.1 and 1 more transcripts); c.2516del, p.Asn839fs (NM_001284216.2); c.3551del, p.Asn1184fs (NM_001348319.1, NM_001348320.2, NM_001348322.1 and 4 more transcripts); c.3554del, p.Asn1185fs (NM_001348321.1, NM_001348328.1, NM_001348329.2 and 1 more transcripts); c.3344del, p.Asn1115fs (NM_001348331.1); c.3464del, p.Asn1155fs (NM_001348332.1); c.3473del, p.Asn1158fs (NM_001348333.1); and 1 more; short protein forms N1109fs, N1115fs, N1142fs, N1155fs, N1157fs, N1158fs, N1184fs, N1185fs.
Identifiers: ClinVar variation 3256549 (VCV003256549.1).